The following is an entry in ClinVar:

ClinVar aggregate classification (germline): Likely pathogenic (1 of 4 stars; one submission).

Conditions:
Dilated cardiomyopathy 1G (CMD1G). Identifiers: Orphanet 154, MedGen C1858763, MONDO:0011400, OMIM 604145.
Autosomal recessive limb-girdle muscular dystrophy type 2J (LGMDR10). Also called: Limb-girdle muscular dystrophy, type 2J; MUSCULAR DYSTROPHY, LIMB-GIRDLE, AUTOSOMAL RECESSIVE 10. Identifiers: Orphanet 140922, MedGen C1837342, MONDO:0012127, OMIM 608807.

Submission:

Labcorp Genetics (formerly Invitae), Labcorp
Classification: Likely pathogenic for Dilated cardiomyopathy 1G; Autosomal recessive limb-girdle muscular dystrophy type 2J. Last evaluated: 2024-10-07. Review status: criteria provided, single submitter. Criteria: Invitae Variant Classification Sherloc (09022015). Collection method: clinical testing. Allele origin: germline.
Comment: This sequence change affects a donor splice site in intron 130 of the TTN gene. It is expected to disrupt RNA splicing and likely results in a truncated or disrupted TTN protein. This variant is present in population databases (no rsID available, gnomAD 0.001%). This variant has not been reported in the literature in individuals affected with TTN-related conditions. ClinVar contains an entry for this variant (Variation ID: 1487197). Algorithms developed to predict the effect of sequence changes on RNA splicing suggest that this variant may disrupt the consensus splice site. This variant is located in the I band of TTN (PMID: 25589632). Truncating variants in this region have been reported in individuals affected with autosomal recessive centronuclear myopathy (PMID: 23975875, internal data). Truncating variants in this region have also been identified in individuals affected with autosomal dominant dilated cardiomyopathy and/or cardio-related conditions (PMID: 27869827, 32964742, internal data). In summary, the currently available evidence indicates that the variant is pathogenic, but additional data are needed to prove that conclusively. Therefore, this variant has been classified as Likely Pathogenic.

Literature cited by the submitters: PubMed 25589632; PubMed 23975875; PubMed 27869827; PubMed 32964742.

NM_001267550.2(TTN):c.32554+1G>A

Gene: TTN (titin; minus strand). Cytogenetic location: 2q31.2.
Variant type: single nucleotide variant.
Coding change: c.32554+1G>A on transcript NM_001267550.2 (MANE Select); the canonical splice donor site of the intron after coding-DNA position 32554, G replaced by A.
Molecular consequence: splice donor variant. On other transcripts: intron variant (3).
Genome position (GRCh38, 1-based): chr2:178,684,905, C>T on the plus strand (G>A on the coding strand, the complement: TTN is on the minus strand). VCF-style: chr2-178684905-C-T. GRCh37 (hg19) VCF-style: chr2-179549632-C-T.
Other names: c.13283-42588G>A (NM_003319.4); c.13859-42588G>A (NM_133437.4); c.13658-42588G>A (NM_133432.3); c.28822+1G>A (NM_133378.4); c.31603+1G>A (NM_001256850.1).
Identifiers: ClinVar variation 1487197 (VCV001487197.6), dbSNP rs376018437, ClinGen allele CA349547247.